The following is an entry in ClinVar:

NM_001243925.2(MAPKAPK3):c.382A>G (p.Ser128Gly)

Gene: MAPKAPK3 (MAPK activated protein kinase 3; plus strand). Cytogenetic location: 3p21.2.
Variant type: single nucleotide variant.
Coding change: c.382A>G on transcript NM_001243925.2 (MANE Select); coding-DNA position 382, A replaced by G.
Protein change: p.Ser128Gly; replaces serine 128 with glycine.
Molecular consequence: missense variant.
Genome position (GRCh38, 1-based): chr3:50,641,729, A>G. VCF-style: chr3-50641729-A-G. GRCh37 (hg19) VCF-style: chr3-50679160-A-G.
Other names: c.382A>G, p.Ser128Gly (NM_001243926.2, NM_004635.5); short protein forms S128G.
Identifiers: ClinVar variation 3683179 (VCV003683179.2).

ClinVar aggregate classification (germline): Uncertain significance (1 of 4 stars; one submission).

gnomAD v4.1: 1 of 1,614,148 alleles (0.000062%); highest among the groups gnomAD compares: Non-Finnish European, 0.000085%; no homozygotes.

Submission:

Labcorp Genetics (formerly Invitae), Labcorp
Classification: Uncertain significance. Last evaluated: 2024-09-06. Review status: criteria provided, single submitter. Criteria: Invitae Variant Classification Sherloc (09022015). Collection method: clinical testing. Allele origin: germline.
Comment: This sequence change replaces serine, which is neutral and polar, with glycine, which is neutral and non-polar, at codon 128 of the MAPKAPK3 protein (p.Ser128Gly). This variant is not present in population databases (gnomAD no frequency). This variant has not been reported in the literature in individuals affected with MAPKAPK3-related conditions. An algorithm developed to predict the effect of missense changes on protein structure and function (PolyPhen-2) suggests that this variant is likely to be tolerated. In summary, the available evidence is currently insufficient to determine the role of this variant in disease. Therefore, it has been classified as a Variant of Uncertain Significance.